The following is an entry in ClinVar:

ClinVar aggregate classification (germline): Likely benign (0 of 4 stars; one submission).

Conditions:
PTPRU-related disorder. Also called: PTPRU-related condition.

Allele frequency attached by ClinVar (database versions not stated): gnomAD exomes 0.00002; gnomAD 0.00006; ExAC 0.00008; TOPMed 0.00008; ESP Exome Variant Server 0.00015; 1000 Genomes Project 30x 0.00016; 1000 Genomes Project 0.00020.
gnomAD v4.1: 65 of 1,611,374 alleles (0.004%); highest among the groups gnomAD compares: East Asian, 0.076%; no homozygotes.

Submission:

PreventionGenetics, part of Exact Sciences
Classification: Likely benign for PTPRU-related condition. Last evaluated: 2021-05-21. Review status: no assertion criteria provided. Collection method: clinical testing. Allele origin: germline.
Comment: This variant is classified as likely benign based on ACMG/AMP sequence variant interpretation guidelines (Richards et al. 2015 PMID: 25741868, with internal and published modifications).

NM_133178.4(PTPRU):c.1758C>T (p.Asn586=)

Gene: PTPRU (protein tyrosine phosphatase receptor type U; plus strand). Cytogenetic location: 1p35.3.
Variant type: single nucleotide variant.
Coding change: c.1758C>T on transcript NM_133178.4 (MANE Select); coding-DNA position 1758, C replaced by T.
Protein change: p.Asn586=; no amino-acid change (asparagine 586 retained).
Molecular consequence: synonymous variant.
Genome position (GRCh38, 1-based): chr1:29,279,650, C>T. VCF-style: chr1-29279650-C-T. GRCh37 (hg19) VCF-style: chr1-29606162-C-T.
Other names: c.1758C>T, p.Asn586= (NM_001195001.2, NM_005704.5, NM_133177.4).
Identifiers: ClinVar variation 3041392 (VCV003041392.2), dbSNP rs200865092, ClinGen allele CA726433.